The following is an entry in ClinVar:

ClinVar aggregate classification (germline): Uncertain significance (1 of 4 stars; one submission).

Submission:

Ambry Genetics
Classification: Uncertain significance. Last evaluated: 2023-09-12. Review status: criteria provided, single submitter. Criteria: Ambry Variant Classification Scheme 2023. Collection method: clinical testing. Allele origin: germline.
Comment: The c.304delG variant, located in coding exon 3 of the RECQL gene, results from a deletion of one nucleotide at nucleotide position 304, causing a translational frameshift with a predicted alternate stop codon (p.V102*). This alteration is expected to result in loss of function by premature protein truncation or nonsense-mediated mRNA decay. The evidence for this gene-disease relationship is limited; therefore, the clinical significance of this alteration is unclear.

NM_002907.4(RECQL):c.304del (p.Asn101_Val102insTer)

Gene: RECQL (RecQ like helicase; minus strand). Cytogenetic location: 12p12.1.
Variant type: Deletion.
Coding change: c.304del on transcript NM_002907.4 (MANE Select); coding-DNA position 304, one base deleted (G; older notation c.304delG).
Protein change: p.Asn101_Val102insTer.
Molecular consequence: nonsense.
Genome position (GRCh38, 1-based): chr12:21,490,289, C deleted on the plus strand (G on the coding strand, the reverse complement: RECQL is on the minus strand). VCF-style (leftmost placement, unchanged base first): chr12-21490288-AC-A. GRCh37 (hg19) VCF-style: chr12-21643222-AC-A.
Other names: c.304del, p.Asn101_Val102insTer (NM_032941.3).
Identifiers: ClinVar variation 2586020 (VCV002586020.2), dbSNP rs2540399915, ClinGen allele CA2582342491.
Genomic context (GRCh38, chr12:21,490,288, plus strand): 5'-CATAAGCTCTTTCCACCTCCTGTAGGCATAACAAGAAATACCTCCTTTCCAGCCATTGTT[AC>A]GTTAATAGTTTCAAGCTGAAGTGGTCTGAACTTTTCCAGTTTAAAGACATTTTGCAGAAT-3'